The following is an entry in ClinVar:

ClinVar aggregate classification (germline): Benign/Likely benign. Review status: criteria provided, multiple submitters, no conflicts (2 of 4 stars). 2 submissions from 2 submitters: Benign (1); Likely benign (1). Last evaluated 2025-12-26.

Conditions:
Methylmalonic acidemia with homocystinuria, type cblX (MAHCX). Also called: INTELLECTUAL DEVELOPMENTAL DISORDER, X-LINKED 3. Identifiers: Orphanet 369962, MedGen C0796208, MONDO:0010657, OMIM 309541.

Allele frequency attached by ClinVar (database versions not stated): gnomAD 0.00007; gnomAD exomes 0.00008 and 0.00006; ESP Exome Variant Server 0.00010; 1000 Genomes Project 30x 0.00021; 1000 Genomes Project 0.00026; ExAC 0.00005; TOPMed 0.00005.
gnomAD v4.1: 71 of 1,197,921 alleles (0.0059%); highest among the groups gnomAD compares: Non-Finnish European, 0.0078%; no homozygotes.

Submissions (2):

Labcorp Genetics (formerly Invitae), Labcorp
Classification: Benign for Methylmalonic acidemia with homocystinuria, type cblX. Last evaluated: 2025-12-26. Review status: criteria provided, single submitter. Criteria: Invitae Variant Classification Sherloc (09022015). Collection method: clinical testing. Allele origin: germline.

GeneDx
Classification: Likely benign. Last evaluated: 2017-10-13. Review status: criteria provided, single submitter. Criteria: GeneDx Variant Classification (06012015). Collection method: clinical testing. Allele origin: germline. Affected: yes.
Comment: This variant is considered likely benign or benign based on one or more of the following criteria: it is a conservative change, it occurs at a poorly conserved position in the protein, it is predicted to be benign by multiple in silico algorithms, and/or has population frequency not consistent with disease.

NM_005334.3(HCFC1):c.380C>T (p.Thr127Met)

Gene: HCFC1 (host cell factor C1; minus strand). Cytogenetic location: Xq28.
Variant type: single nucleotide variant.
Coding change: c.380C>T on transcript NM_005334.3 (MANE Select); coding-DNA position 380, C replaced by T.
Protein change: p.Thr127Met; replaces threonine 127 with methionine.
Molecular consequence: missense variant.
Genome position (GRCh38, 1-based): chrX:153,964,247, G>A on the plus strand (C>T on the coding strand, the complement: HCFC1 is on the minus strand). VCF-style: chrX-153964247-G-A. GRCh37 (hg19) VCF-style: chrX-153229698-G-A.
Other names: short protein forms T127M.
Identifiers: ClinVar variation 512401 (VCV000512401.9), dbSNP rs183246703, ClinGen allele CA10557686.